The following is an entry in ClinVar:

ClinVar aggregate classification (germline): Likely benign (1 of 4 stars; one submission).

Submission:

CeGaT Center for Human Genetics Tuebingen
Classification: Likely benign. Last evaluated: 2026-05-01. Review status: criteria provided, single submitter. Criteria: CeGaT Center For Human Genetics Tuebingen Variant Classification Criteria Version 2. Collection method: clinical testing. Allele origin: germline. Affected: yes. Observed: 1 variant allele.
Comment: KMT2C: PM2:Supporting, BP4, BP7

NM_170606.3(KMT2C):c.6588T>C (p.Asn2196=)

Gene: KMT2C (lysine methyltransferase 2C; minus strand). Cytogenetic location: 7q36.1.
Variant type: single nucleotide variant.
Coding change: c.6588T>C on transcript NM_170606.3 (MANE Select); coding-DNA position 6588, T replaced by C.
Protein change: p.Asn2196=; no amino-acid change (asparagine 2196 retained).
Molecular consequence: synonymous variant.
Genome position (GRCh38, 1-based): chr7:152,181,272, A>G on the plus strand (T>C on the coding strand, the complement: KMT2C is on the minus strand). VCF-style: chr7-152181272-A-G. GRCh37 (hg19) VCF-style: chr7-151878357-A-G.
Identifiers: ClinVar variation 4873117 (VCV004873117.2).